The following is an entry in ClinVar:

NC_000016.10:g.8797716G>T

Gene: PMM2 (phosphomannomutase 2; plus strand). Cytogenetic location: 16p13.2.
Variant type: single nucleotide variant.
Genome position: GRCh38 VCF-style: chr16-8797716-G-T. GRCh37 (hg19) VCF-style: chr16-8891573-G-T.
Other names: c.-167G>T (NM_000303.3).
Identifiers: ClinVar variation 656718 (VCV000656718.22), dbSNP rs1596481676, ClinGen allele CA915949113.

ClinVar aggregate classification (germline): Pathogenic. Review status: criteria provided, multiple submitters, no conflicts (2 of 4 stars). 9 submissions from 9 submitters: Pathogenic (9). Last evaluated 2026-02-04.

Conditions:
PMM2-congenital disorder of glycosylation. Also called: Congenital disorder of glycosylation, type Ia; PHOSPHOMANNOMUTASE 2 DEFICIENCY; JAEKEN SYNDROME; PMM2-CDG; CDG Ia; CARBOHYDRATE-DEFICIENT GLYCOPROTEIN SYNDROME, TYPE Ia. Identifiers: Orphanet 79318, MedGen C0349653, MONDO:0008907, OMIM 212065.

Allele frequency attached by ClinVar (database versions not stated): TOPMed 0.00001; gnomAD exomes 0.00004.

Submissions (9):

Dasa
Classification: Pathogenic. Last evaluated: 2026-02-04. Review status: criteria provided, single submitter. Criteria: DASA Assertion Criteria. Collection method: clinical testing. Allele origin: germline.
Comment: NM_000303.3(PMM2):c.-167G>T affects a canonical splice site and is predicted to disrupt normal RNA splicing, leading to loss of normal protein function. Loss-of-function is an established mechanism of disease for this gene. Segregation evidence has been reported in affected families. This variant has been observed in affected individuals with related phenotype in a genotype context consistent with recessive disease (PMID: 28373276; PMID: 33580824). Functional evidence supports a deleterious effect on the gene or gene product (PMID: 28373276; PMID: 33580824). This variant has been recurrently observed in individuals with related phenotype (PMID: 28373276; PMID: 33580824). The variant is present at low frequency in population datasets. Based on the available data, this variant is classified as pathogenic.

Labcorp Genetics (formerly Invitae), Labcorp
Classification: Pathogenic for PMM2-congenital disorder of glycosylation. Last evaluated: 2025-12-10. Review status: criteria provided, single submitter. Criteria: Invitae Variant Classification Sherloc (09022015). Collection method: clinical testing. Allele origin: germline.
Comment: This variant occurs in a non-coding region of the PMM2 gene. It does not change the encoded amino acid sequence of the PMM2 protein. This variant is not present in population databases (gnomAD no frequency). This variant has been observed in individuals with hyperinsulinemic hypoglycemia and polycystic kidney disease (PMID: 28373276). It has also been observed to segregate with disease in related individuals. ClinVar contains an entry for this variant (Variation ID: 656718). Studies have shown that this variant alters PMM2 gene expression (PMID: 28373276). For these reasons, this variant has been classified as Pathogenic.

Natera, Inc.
Classification: Pathogenic for Congenital disorder of glycosylation type 1a. Last evaluated: 2025-07-31. Review status: criteria provided, single submitter. Criteria: Natera Variant Classification Schema (03/2026). Collection method: clinical testing. Allele origin: germline.
Comment: The c.-167G>T variant in PMM2, also known as NC_000016.10:g.8797716G>T, is a 5' untranslated region (UTR) variant located upstream of the translation start codon. This variant is rare in the general population with a frequency below the threshold expected for the associated phenotype(s). This variant has been observed in one or more individuals affected with the associated recessive disease, as either homozygous or compound heterozygous with a second variant (PMID: 28373276). Additionally, this variant has been observed to segregate in affected family members (PMID: 28373276). Given the available evidence, this variant is classified as Pathogenic.

Laboratorio de Genetica e Diagnostico Molecular, Hospital Israelita Albert Einstein
Classification: Pathogenic for PMM2-congenital disorder of glycosylation. Last evaluated: 2025-02-28. Review status: criteria provided, single submitter. Criteria: ACMG Guidelines, 2015. Collection method: clinical testing. Allele origin: germline. Affected: yes.
Comment: ACMG classification criteria: PS3 supporting, PM2 supporting, PM3 very strong, PP1 strong

GeneDx
Classification: Pathogenic. Last evaluated: 2024-12-30. Review status: criteria provided, single submitter. Criteria: GeneDx Variant Classification Process June 2021. Collection method: clinical testing. Allele origin: germline. Affected: yes.
Comment: Published functional studies demonstrate a damaging effect (PMID: 28373276); This variant is associated with the following publications: (PMID: 33811480, 28373276, 32595772, 33580824, 32841164, 34055813, 36412659, 33532864, 33149276, 36726472, 37065762, 37454648, 36773065, 36239000)

Laboratoire de Génétique Moléculaire, CHU Bordeaux
Classification: Pathogenic for PMM2-congenital disorder of glycosylation. Last evaluated: 2024-07-01. Review status: criteria provided, single submitter. Criteria: ACMG Guidelines, 2015. Collection method: clinical testing. Allele origin: germline. Affected: yes.

Fulgent Genetics
Classification: Pathogenic for PMM2-congenital disorder of glycosylation. Last evaluated: 2024-04-09. Review status: criteria provided, single submitter. Criteria: ACMG Guidelines, 2015. Collection method: clinical testing. Allele origin: germline.

Baylor Genetics
Classification: Pathogenic for PMM2-congenital disorder of glycosylation. Last evaluated: 2023-11-22. Review status: criteria provided, single submitter. Criteria: ACMG Guidelines, 2015. Collection method: clinical testing. Allele origin: unknown.

Molecular Biology Laboratory, Fundació Puigvert
Classification: Pathogenic for PMM2-congenital disorder of glycosylation. Last evaluated: 2020-02-01. Review status: criteria provided, single submitter. Criteria: ACMG Guidelines, 2015. Collection method: research. Allele origin: germline. Affected: yes. Study: KidneyPanel_2020.

Literature cited by the submitters: PubMed 28373276 (cited by 3 submitters); PubMed 33580824 (cited by Dasa); PubMed 33532864 (cited by Molecular Biology Laboratory, Fundació Puigvert).